The following is an entry in ClinVar:

NM_000020.3(ACVRL1):c.1133C>T (p.Pro378Leu)

Gene: ACVRL1 (activin A receptor like type 1; plus strand). Cytogenetic location: 12q13.13.
Variant type: single nucleotide variant.
Coding change: c.1133C>T on transcript NM_000020.3 (MANE Select); coding-DNA position 1133, C replaced by T.
Protein change: p.Pro378Leu; replaces proline 378 with leucine.
Molecular consequence: missense variant. On other transcripts: intron variant (1).
Genome position (GRCh38, 1-based): chr12:51,916,120, C>T. VCF-style: chr12-51916120-C-T. GRCh37 (hg19) VCF-style: chr12-52309904-C-T.
Other names: c.1133C>T, p.Pro378Leu (NM_001077401.2, NM_001406487.1, NM_001406488.1 and 1 more transcripts); c.821C>T, p.Pro274Leu (NM_001406490.1, NM_001406491.1, NM_001406492.1 and 1 more transcripts); c.569C>T, p.Pro190Leu (NM_001406495.1); c.736+620C>T (NM_001406494.1); short protein forms P274L, P190L, P378L.
Identifiers: ClinVar variation 2735875 (VCV002735875.4), dbSNP rs1940833669, ClinGen allele CA384902492.

ClinVar aggregate classification (germline): Pathogenic/Likely pathogenic. Review status: criteria provided, multiple submitters, no conflicts (2 of 4 stars). 2 submissions from 2 submitters: Pathogenic (1); Likely pathogenic (1). Last evaluated 2023-11-14.

Conditions:
Telangiectasia, hereditary hemorrhagic, type 2 (HHT2). Also called: ACVRL1-Related Hereditary Hemorrhagic Telangiectasia; Telangiectasia, hereditary hemorrhagic, type II. Identifiers: Orphanet 774, MedGen C1838163, MONDO:0010880, OMIM 600376. Disease mechanism: loss of function.
Cardiovascular phenotype. Identifiers: MedGen CN230736.

Submissions (2):

Ambry Genetics
Classification: Likely pathogenic for Cardiovascular phenotype. Last evaluated: 2023-11-14. Review status: criteria provided, single submitter. Criteria: Ambry Variant Classification Scheme 2023. Collection method: clinical testing. Allele origin: germline.
Comment: The p.P378L variant (also known as c.1133C>T), located in coding exon 7 of the ACVRL1 gene, results from a C to T substitution at nucleotide position 1133. The proline at codon 378 is replaced by leucine, an amino acid with similar properties. This variant has been reported in an individual with a clinical diagnosis of hereditary hemorrhagic telangiectasia (HHT) (Olivieri C et al. J Med Genet, 2002 Jul;39:E39). This variant is considered to be rare based on population cohorts in the Genome Aggregation Database (gnomAD). This amino acid position is highly conserved in available vertebrate species. In addition, this alteration is predicted to be deleterious by in silico analysis. Based on the majority of available evidence to date, this variant is likely to be pathogenic.

Labcorp Genetics (formerly Invitae), Labcorp
Classification: Pathogenic for Telangiectasia, hereditary hemorrhagic, type 2. Last evaluated: 2023-09-14. Review status: criteria provided, single submitter. Criteria: Invitae Variant Classification Sherloc (09022015). Collection method: clinical testing. Allele origin: germline.
Comment: This sequence change replaces proline, which is neutral and non-polar, with leucine, which is neutral and non-polar, at codon 378 of the ACVRL1 protein (p.Pro378Leu). This variant is not present in population databases (gnomAD no frequency). This missense change has been observed in individual(s) with hereditary hemorrhagic telangiectasia (PMID: 12114496, 17786384). Advanced modeling of protein sequence and biophysical properties (such as structural, functional, and spatial information, amino acid conservation, physicochemical variation, residue mobility, and thermodynamic stability) performed at Invitae indicates that this missense variant is expected to disrupt ACVRL1 protein function. This variant disrupts the p.Pro378 amino acid residue in ACVRL1. Other variant(s) that disrupt this residue have been determined to be pathogenic (PMID: 15712271, 20414677, 21158752, 24196379, 26176610; Invitae). This suggests that this residue is clinically significant, and that variants that disrupt this residue are likely to be disease-causing. For these reasons, this variant has been classified as Pathogenic.

Literature cited by the submitters: PubMed 12114496 (cited by Ambry Genetics and Labcorp Genetics (formerly Invitae), Labcorp); PubMed 17786384 (cited by Labcorp Genetics (formerly Invitae), Labcorp); PubMed 15712271 (cited by Labcorp Genetics (formerly Invitae), Labcorp); PubMed 20414677 (cited by Labcorp Genetics (formerly Invitae), Labcorp); PubMed 21158752 (cited by Labcorp Genetics (formerly Invitae), Labcorp); PubMed 24196379 (cited by Labcorp Genetics (formerly Invitae), Labcorp); PubMed 26176610 (cited by Labcorp Genetics (formerly Invitae), Labcorp).